The following is an entry in ClinVar:

NM_020163.3(SEMA3G):c.1084G>A (p.Gly362Arg)

Gene: SEMA3G (semaphorin 3G; minus strand). Cytogenetic location: 3p21.1.
Variant type: single nucleotide variant.
Coding change: c.1084G>A on transcript NM_020163.3 (MANE Select); coding-DNA position 1084, G replaced by A.
Protein change: p.Gly362Arg; replaces glycine 362 with arginine.
Molecular consequence: missense variant.
Genome position (GRCh38, 1-based): chr3:52,440,436, C>T on the plus strand (G>A on the coding strand, the complement: SEMA3G is on the minus strand). VCF-style: chr3-52440436-C-T. GRCh37 (hg19) VCF-style: chr3-52474452-C-T.
Other names: short protein forms G362R.
Identifiers: ClinVar variation 4982117 (VCV004982117.1).

ClinVar aggregate classification (germline): Uncertain significance (1 of 4 stars; one submission).

Conditions:
SEMA3G-related disorder. Also called: SEMA3G-related condition.

Submission:

PreventionGenetics, part of Exact Sciences
Classification: Uncertain significance for SEMA3G-related condition. Last evaluated: 2024-11-10. Review status: criteria provided, single submitter. Criteria: ACMG Guidelines, 2015. Collection method: clinical testing. Allele origin: germline.
Comment: The SEMA3G c.1084G>A variant is predicted to result in the amino acid substitution p.Gly362Arg. To our knowledge, this variant has not been reported in the literature or in a large population database (gnomAD), indicating this variant is rare. At this time, the clinical significance of this variant is uncertain due to the absence of conclusive functional and genetic evidence.